The following is an entry in ClinVar:

ClinVar aggregate classification (germline): Uncertain significance. Review status: criteria provided, multiple submitters, no conflicts (2 of 4 stars). 4 submissions from 4 submitters: Uncertain significance (4). Last evaluated 2025-11-12.

Conditions:
Hereditary cancer-predisposing syndrome. Also called: Neoplastic Syndromes, Hereditary; Hereditary neoplastic syndrome; Tumor predisposition; Hereditary Cancer Syndrome. Identifiers: Orphanet 140162, MedGen C0027672, MeSH D009386, MONDO:0015356.
Cardiovascular phenotype. Identifiers: MedGen CN230736.
Neurofibromatosis, type 1 (NF1). Also called: NEUROFIBROMATOSIS, TYPE I, SOMATIC; VON RECKLINGHAUSEN DISEASE; Peripheral type neurofibromatosis; Neurofibromatosis, type I. Identifiers: Orphanet 636, MedGen C0027831, MONDO:0018975, OMIM 162200. Disease mechanism: loss of function.

Submissions (4):

Ambry Genetics
Classification: Uncertain significance for Cardiovascular phenotype; Hereditary cancer-predisposing syndrome. Last evaluated: 2025-11-12. Review status: criteria provided, single submitter. Criteria: Ambry Variant Classification Scheme 2023. Collection method: clinical testing. Allele origin: germline.
Comment: The p.M1215T variant (also known as c.3644T>C), located in coding exon 27 of the NF1 gene, results from a T to C substitution at nucleotide position 3644. The methionine at codon 1215 is replaced by threonine, an amino acid with similar properties. This amino acid position is highly conserved in available vertebrate species. In addition, this alteration is predicted to be deleterious by in silico analysis. Based on the available evidence, the clinical significance of this variant remains unclear.

GeneDx
Classification: Uncertain significance. Last evaluated: 2024-07-12. Review status: criteria provided, single submitter. Criteria: GeneDx Variant Classification Process June 2021. Collection method: clinical testing. Allele origin: germline. Affected: yes.
Comment: Not observed at significant frequency in large population cohorts (gnomAD); In silico analysis supports that this missense variant has a deleterious effect on protein structure/function; Has not been previously published as pathogenic or benign to our knowledge; This variant is associated with the following publications: (PMID: 26740943, 25486365, 22807134)

Labcorp Genetics (formerly Invitae), Labcorp
Classification: Uncertain significance for Neurofibromatosis, type 1. Last evaluated: 2024-05-06. Review status: criteria provided, single submitter. Criteria: Invitae Variant Classification Sherloc (09022015). Collection method: clinical testing. Allele origin: germline.
Comment: This sequence change replaces methionine, which is neutral and non-polar, with threonine, which is neutral and polar, at codon 1215 of the NF1 protein (p.Met1215Thr). This variant is not present in population databases (gnomAD no frequency). This variant has not been reported in the literature in individuals affected with NF1-related conditions. ClinVar contains an entry for this variant (Variation ID: 547631). Advanced modeling of protein sequence and biophysical properties (such as structural, functional, and spatial information, amino acid conservation, physicochemical variation, residue mobility, and thermodynamic stability) performed at Invitae indicates that this missense variant is expected to disrupt NF1 protein function with a positive predictive value of 95%. This variant disrupts the p.Met1215 amino acid residue in NF1. Other variant(s) that disrupt this residue have been determined to be pathogenic (PMID: 26740943; Invitae). This suggests that this residue is clinically significant, and that variants that disrupt this residue are likely to be disease-causing. In summary, the available evidence is currently insufficient to determine the role of this variant in disease. Therefore, it has been classified as a Variant of Uncertain Significance.

Center for Human Genetics, Inc
Classification: Uncertain significance for Neurofibromatosis, type 1. Last evaluated: 2016-11-01. Review status: criteria provided, single submitter. Criteria: ACMG Guidelines, 2015. Collection method: clinical testing. Allele origin: germline. Affected: yes.

Literature cited by the submitters: PubMed 26740943 (cited by Labcorp Genetics (formerly Invitae), Labcorp).

NM_001042492.3(NF1):c.3644T>C (p.Met1215Thr)

Gene: NF1 (neurofibromin 1; plus strand). Cytogenetic location: 17q11.2.
Variant type: single nucleotide variant.
Coding change: c.3644T>C on transcript NM_001042492.3 (MANE Select); coding-DNA position 3644, T replaced by C.
Protein change: p.Met1215Thr; replaces methionine 1215 with threonine.
Molecular consequence: missense variant.
Genome position (GRCh38, 1-based): chr17:31,233,149, T>C. VCF-style: chr17-31233149-T-C. GRCh37 (hg19) VCF-style: chr17-29560167-T-C.
Other names: c.3644T>C, p.Met1215Thr (NM_000267.4); short protein forms M1215T.
Identifiers: ClinVar variation 547631 (VCV000547631.6), dbSNP rs1555615071, ClinGen allele CA398990426.